The following continues an entry in ClinVar:

NM_000432.4(MYL2):c.141C>A (p.Asn47Lys)

Gene: MYL2. ClinVar aggregate classification (germline): Conflicting classifications of pathogenicity. Uncertain significance (15); Likely benign (3).

Submissions 17 to 20 of 20:

CSER _CC_NCGL, University of Washington
Classification: Uncertain significance for Cardiomyopathy, hypertrophic. Last evaluated: 2014-06-01. Review status: criteria provided, single submitter. Criteria: Amendola et al. (Genome Res. 2015). Collection method: research. Allele origin: germline. Inheritance: Autosomal dominant inheritance. Study: ESP 6500 variant annotation.
Comment: Low GERP score may suggest that this variant may belong in a lower pathogenicity class

Variants classified for the Actionable exomic incidental findings in 6503 participants: challenges of variant classification manuscript

Breakthrough Genomics
Classification: Uncertain significance. Review status: criteria provided, single submitter. Criteria: ACMG Guidelines, 2015. Collection method: not provided. Allele origin: germline. Inheritance: Autosomal recessive inheritance. Affected: yes.

Forensic Genetics Laboratory, Harris County Institute of Forensic Sciences
Classification: Pathogenic for Death in infancy. Last evaluated: 2015-03-27. Review status: no assertion criteria provided. Collection method: clinical testing. Allele origin: unknown. Affected: yes. Observed: 1 heterozygote. Study: HCIFS-Postmortem genetic screening project. Not counted in ClinVar's aggregate classification.

Leiden Muscular Dystrophy (MYL2)
No classification provided. Last evaluated: 2012-03-26. Review status: no classification provided. Collection method: curation. Allele origin: germline. Not counted in ClinVar's aggregate classification.

Literature cited by the submitters: PubMed 11748309 (cited by 9 submitters); PubMed 24111713 (cited by 6 submitters); PubMed 27435932 (cited by 8 submitters); PubMed 33558530 (cited by 3 submitters); PubMed 37652022 (cited by Labcorp Genetics (formerly Invitae), Labcorp and Mayo Clinic Laboratories, Mayo Clinic); PubMed 14594949 (cited by 9 submitters); PubMed 18929571 (cited by 9 submitters); PubMed 19150977 (cited by 7 submitters); PubMed 20855589 (cited by 9 submitters); PubMed 33337957 (cited by 3 submitters); PubMed 15483641 (cited by 7 submitters); PubMed 15706574 (cited by Women's Health and Genetics/Laboratory Corporation of America, LabCorp); PubMed 12668451 (cited by Women's Health and Genetics/Laboratory Corporation of America, LabCorp and Forensic Genetics Laboratory, Harris County Institute of Forensic Sciences); PubMed 16076902 (cited by Women's Health and Genetics/Laboratory Corporation of America, LabCorp); PubMed 18056765 (cited by Women's Health and Genetics/Laboratory Corporation of America, LabCorp); PubMed 19035361 (cited by Women's Health and Genetics/Laboratory Corporation of America, LabCorp); PubMed 35629155 (cited by Women's Health and Genetics/Laboratory Corporation of America, LabCorp); PubMed 25351510 (cited by 3 submitters); PubMed 31315475 (cited by All of Us Research Program, National Institutes of Health and Mayo Clinic Laboratories, Mayo Clinic); PubMed 34935411 (cited by All of Us Research Program, National Institutes of Health and Ambry Genetics); PubMed 37904629 (cited by All of Us Research Program, National Institutes of Health); PubMed 38489124 (cited by All of Us Research Program, National Institutes of Health); PubMed 16837010 (cited by Mayo Clinic Laboratories, Mayo Clinic and Ambry Genetics); PubMed 28467684 (cited by Mayo Clinic Laboratories, Mayo Clinic and Victorian Clinical Genetics Services, Murdoch Childrens Research Institute); PubMed 28518168 (cited by Mayo Clinic Laboratories, Mayo Clinic and Ambry Genetics); PubMed 35653365 (cited by Mayo Clinic Laboratories, Mayo Clinic and Ambry Genetics); PubMed 37937776 (cited by Mayo Clinic Laboratories, Mayo Clinic); PubMed 23299917 (cited by Ambry Genetics and Illumina Laboratory Services, Illumina); PubMed 24842367 (cited by Ambry Genetics); PubMed 25637381 (cited by Ambry Genetics and Illumina Laboratory Services, Illumina); PubMed 26116789 (cited by Ambry Genetics and Victorian Clinical Genetics Services, Murdoch Childrens Research Institute); PubMed 22958901 (cited by Victorian Clinical Genetics Services, Murdoch Childrens Research Institute and Agnes Ginges Centre for Molecular Cardiology, Centenary Institute); PubMed 21415409 (cited by Illumina Laboratory Services, Illumina); PubMed 23343568 (cited by Illumina Laboratory Services, Illumina); PubMed 26284228 (cited by Agnes Ginges Centre for Molecular Cardiology, Centenary Institute); PubMed 8673105 (cited by Forensic Genetics Laboratory, Harris County Institute of Forensic Sciences); PubMed 11102452 (cited by Forensic Genetics Laboratory, Harris County Institute of Forensic Sciences).